The following is an entry in ClinVar:

ClinVar aggregate classification (germline): Uncertain significance (1 of 4 stars; one submission).

Submission:

Labcorp Genetics (formerly Invitae), Labcorp
Classification: Uncertain significance. Last evaluated: 2024-07-12. Review status: criteria provided, single submitter. Criteria: Invitae Variant Classification Sherloc (09022015). Collection method: clinical testing. Allele origin: germline.
Comment: This sequence change creates a premature translational stop signal (p.Gln82*) in the CASQ1 gene. It is expected to result in an absent or disrupted protein product. However, the current clinical and genetic evidence is not sufficient to establish whether loss-of-function variants in CASQ1 cause disease. This variant is not present in population databases (gnomAD no frequency). This variant has not been reported in the literature in individuals affected with CASQ1-related conditions. ClinVar contains an entry for this variant (Variation ID: 2013112). In summary, the available evidence is currently insufficient to determine the role of this variant in disease. Therefore, it has been classified as a Variant of Uncertain Significance.

NM_001231.5(CASQ1):c.244C>T (p.Gln82Ter)

Gene: CASQ1 (calsequestrin 1; plus strand). Cytogenetic location: 1q23.2.
Variant type: single nucleotide variant.
Coding change: c.244C>T on transcript NM_001231.5 (MANE Select); coding-DNA position 244, C replaced by T.
Protein change: p.Gln82Ter; replaces glutamine 82 with a stop codon.
Molecular consequence: nonsense.
Genome position (GRCh38, 1-based): chr1:160,190,995, C>T. VCF-style: chr1-160190995-C-T. GRCh37 (hg19) VCF-style: chr1-160160785-C-T.
Other names: short protein forms Q82*.
Identifiers: ClinVar variation 2013112 (VCV002013112.4), dbSNP rs762407330, ClinGen allele CA31495689.